The following is an entry in ClinVar:

ClinVar aggregate classification (germline): Uncertain significance. Review status: criteria provided, multiple submitters, no conflicts (2 of 4 stars). 3 submissions from 3 submitters: Uncertain significance (3). Last evaluated 2024-06-08.

Conditions:
Autosomal dominant nonsyndromic hearing loss 6 (LFSNHL). Also called: Autosomal dominant nonsyndromic deafness 6; DEAFNESS, AUTOSOMAL DOMINANT 6; DEAFNESS, AUTOSOMAL DOMINANT 14; DEAFNESS, AUTOSOMAL DOMINANT 38. Identifiers: Orphanet 90635, MedGen C1833021, MONDO:0010963, OMIM 600965.
Type 2 diabetes mellitus. Also called: Type II diabetes mellitus. Identifiers: MedGen C0011860, MeSH D003924, MONDO:0005148, OMIM 125853, HP:0005978.
Wolfram syndrome 1 (WFS1). Identifiers: Orphanet 3463, MedGen C4551693, MONDO:0009101, OMIM 222300.
Wolfram-like syndrome. Also called: HEARING LOSS, PROGRESSIVE, WITH OPTIC ATROPHY AND/OR IMPAIRED GLUCOSE REGULATION. Identifiers: Orphanet 411590, MedGen C3280358, MONDO:0013673, OMIM 614296.
Cataract 41 (CTRCT41). Also called: CATARACT 41, CONGENITAL NUCLEAR TYPE. Identifiers: Orphanet 91492, Orphanet 98991, Orphanet 98992, Orphanet 98995, MedGen C3805412, MONDO:0007287, OMIM 116400.

Allele frequency attached by ClinVar (database versions not stated): TOPMed 0.00002; gnomAD 0.00004.
gnomAD v4.1: 12 of 1,613,910 alleles (0.00074%); highest among the groups gnomAD compares: African/African-American, 0.013%; no homozygotes.

Submissions (3):

Labcorp Genetics (formerly Invitae), Labcorp
Classification: Uncertain significance. Last evaluated: 2024-06-08. Review status: criteria provided, single submitter. Criteria: Invitae Variant Classification Sherloc (09022015). Collection method: clinical testing. Allele origin: germline.
Comment: This sequence change replaces glutamine, which is neutral and polar, with glutamic acid, which is acidic and polar, at codon 392 of the WFS1 protein (p.Gln392Glu). This variant is present in population databases (no rsID available, gnomAD 0.02%). This variant has not been reported in the literature in individuals affected with WFS1-related conditions. ClinVar contains an entry for this variant (Variation ID: 2136292). Advanced modeling of protein sequence and biophysical properties (such as structural, functional, and spatial information, amino acid conservation, physicochemical variation, residue mobility, and thermodynamic stability) performed at Invitae indicates that this missense variant is not expected to disrupt WFS1 protein function with a negative predictive value of 95%. In summary, the available evidence is currently insufficient to determine the role of this variant in disease. Therefore, it has been classified as a Variant of Uncertain Significance.

Fulgent Genetics
Classification: Uncertain significance for Cataract 41; Type 2 diabetes mellitus; Wolfram syndrome 1; Autosomal dominant nonsyndromic hearing loss 6; Wolfram-like syndrome. Last evaluated: 2024-04-11. Review status: criteria provided, single submitter. Criteria: ACMG Guidelines, 2015. Collection method: clinical testing. Allele origin: germline.

GeneDx
Classification: Uncertain significance. Last evaluated: 2023-01-12. Review status: criteria provided, single submitter. Criteria: GeneDx Variant Classification Process June 2021. Collection method: clinical testing. Allele origin: germline. Affected: yes.
Comment: In silico analysis supports that this missense variant does not alter protein structure/function; Has not been previously published as pathogenic or benign to our knowledge

NM_006005.3(WFS1):c.1174C>G (p.Gln392Glu)

Gene: WFS1 (wolframin ER transmembrane glycoprotein; plus strand). Cytogenetic location: 4p16.1.
Variant type: single nucleotide variant.
Coding change: c.1174C>G on transcript NM_006005.3 (MANE Select); coding-DNA position 1174, C replaced by G.
Protein change: p.Gln392Glu; replaces glutamine 392 with glutamic acid.
Molecular consequence: missense variant.
Genome position (GRCh38, 1-based): chr4:6,300,969, C>G. VCF-style: chr4-6300969-C-G. GRCh37 (hg19) VCF-style: chr4-6302696-C-G.
Other names: c.1174C>G, p.Gln392Glu (NM_001145853.1); short protein forms Q392E.
Identifiers: ClinVar variation 2136292 (VCV002136292.5), dbSNP rs1430938532, ClinGen allele CA356174395.